The following is an entry in ClinVar:

ClinVar aggregate classification (germline): Uncertain significance (1 of 4 stars; one submission).

Conditions:
Hereditary cancer-predisposing syndrome. Also called: Hereditary Cancer Syndrome; Hereditary neoplastic syndrome; Neoplastic Syndromes, Hereditary; Tumor predisposition. Identifiers: Orphanet 140162, MedGen C0027672, MeSH D009386, MONDO:0015356.

Submission:

Ambry Genetics
Classification: Uncertain significance for Hereditary cancer-predisposing syndrome. Last evaluated: 2025-09-10. Review status: criteria provided, single submitter. Criteria: Ambry Variant Classification Scheme 2023. Collection method: clinical testing. Allele origin: germline.
Comment: The p.N166I variant (also known as c.497A>T), located in coding exon 4 of the CDH1 gene, results from an A to T substitution at nucleotide position 497. The asparagine at codon 166 is replaced by isoleucine, an amino acid with dissimilar properties. This amino acid position is conserved. In addition, this alteration is predicted to be deleterious by in silico analysis. Based on the available evidence, the clinical significance of this variant remains unclear.

NM_004360.5(CDH1):c.497A>T (p.Asn166Ile)

Gene: CDH1 (cadherin 1; plus strand). Cytogenetic location: 16q22.1.
Variant type: single nucleotide variant.
Coding change: c.497A>T on transcript NM_004360.5 (MANE Select); coding-DNA position 497, A replaced by T.
Protein change: p.Asn166Ile; replaces asparagine 166 with isoleucine.
Molecular consequence: missense variant. On other transcripts: 5 prime UTR variant (2).
Genome position (GRCh38, 1-based): chr16:68,808,533, A>T. VCF-style: chr16-68808533-A-T. GRCh37 (hg19) VCF-style: chr16-68842436-A-T.
Other names: c.497A>T, p.Asn166Ile (NM_001317184.2); c.-1119A>T (NM_001317185.2); c.-1323A>T (NM_001317186.2); short protein forms N166I.
Identifiers: ClinVar variation 4223620 (VCV004223620.1).